The following is an entry in ClinVar:

NM_001875.5(CPS1):c.1895T>G (p.Ile632Arg)

Gene: CPS1 (carbamoyl-phosphate synthase 1; plus strand). Cytogenetic location: 2q34.
Variant type: single nucleotide variant.
Coding change: c.1895T>G on transcript NM_001875.5 (MANE Select); coding-DNA position 1895, T replaced by G.
Protein change: p.Ile632Arg; replaces isoleucine 632 with arginine.
Molecular consequence: missense variant. On other transcripts: non-coding transcript variant (2).
Genome position (GRCh38, 1-based): chr2:210,605,160, T>G. VCF-style: chr2-210605160-T-G. GRCh37 (hg19) VCF-style: chr2-211469884-T-G.
Other names: c.1895T>G (LRG_336t1); c.1895T>G, p.Ile632Arg (NM_001122633.3, NM_001369257.1); c.1928T>G, p.Ile643Arg (NM_001369256.1); short protein forms I632R, I643R.
Identifiers: ClinVar variation 558644 (VCV000558644.5), dbSNP rs1553512974, ClinGen allele CA350437939.

ClinVar aggregate classification (germline): Uncertain significance. Review status: criteria provided, multiple submitters, no conflicts (2 of 4 stars). 3 submissions from 3 submitters: Uncertain significance (2). 1 of the submissions does not count toward it. Last evaluated 2023-05-09.

Conditions:
Congenital hyperammonemia, type I. Also called: Carbamoyl-phosphate synthase I deficiency; Carbamoyl phosphate synthetase I deficiency disease; CPS I DEFICIENCY; Carbamoyl phosphate synthetase 1 deficiency; Hyperammonemia due to carbamoyl phosphate synthetase 1 deficiency; CPS 1 deficiency. Identifiers: Orphanet 147, MedGen C4082171, MONDO:0009376, OMIM 237300.

Allele frequency attached by ClinVar (database versions not stated): gnomAD exomes below 0.00001; TOPMed below 0.00001.
gnomAD v4.1: 3 of 1,612,108 alleles (0.00019%); highest among the groups gnomAD compares: Non-Finnish European, 0.00025%; no homozygotes.

Submissions (3):

Women's Health and Genetics/Laboratory Corporation of America, LabCorp
Classification: Uncertain significance. Last evaluated: 2023-05-09. Review status: criteria provided, single submitter. Criteria: LabCorp Variant Classification Summary - May 2015. Collection method: clinical testing. Allele origin: germline.
Comment: Variant summary: CPS1 c.1895T>G (p.Ile632Arg) results in a non-conservative amino acid change located in the Carbamoyl-phosphate synthetase large subunit-like, ATP-binding domain (IPR005479) of the encoded protein sequence. Five of five in-silico tools predict a damaging effect of the variant on protein function. The variant was absent in 250622 control chromosomes (gnomAD). The available data on variant occurrences in the general population are insufficient to allow any conclusion about variant significance. c.1895T>G has been reported in the literature in an individual affected with Carbamoylphosphate Synthetase I Deficiency with a non-informative genotype (example: Haeberle_2011). These report(s) do not provide unequivocal conclusions about association of the variant with Carbamoylphosphate Synthetase I Deficiency. To our knowledge, no experimental evidence demonstrating an impact on protein function has been reported. The following publication has been ascertained in the context of this evaluation (PMID: 21120950). Two clinical diagnostic laboratories have submitted clinical-significance assessments for this variant to ClinVar after 2014 and classified the variant as uncertain significance. Based on the evidence outlined above, the variant was classified as uncertain significance.

Labcorp Genetics (formerly Invitae), Labcorp
Classification: Uncertain significance for Congenital hyperammonemia, type I. Last evaluated: 2021-10-31. Review status: criteria provided, single submitter. Criteria: Invitae Variant Classification Sherloc (09022015). Collection method: clinical testing. Allele origin: germline.
Comment: This sequence change replaces isoleucine, which is neutral and non-polar, with arginine, which is basic and polar, at codon 632 of the CPS1 protein (p.Ile632Arg). This variant is not present in population databases (gnomAD no frequency). This missense change has been observed in individual(s) with clinical features of carbamoyl phosphate synthetase I deficiency (PMID: 24813853). ClinVar contains an entry for this variant (Variation ID: 558644). Algorithms developed to predict the effect of missense changes on protein structure and function are either unavailable or do not agree on the potential impact of this missense change (SIFT: "Deleterious"; PolyPhen-2: "Possibly Damaging"; Align-GVGD: "Class C0"). In summary, the available evidence is currently insufficient to determine the role of this variant in disease. Therefore, it has been classified as a Variant of Uncertain Significance.

Counsyl
Classification: Uncertain significance for Congenital hyperammonemia, type I. Last evaluated: 2018-06-04. Review status: no assertion criteria provided. Collection method: clinical testing. Allele origin: unknown. Not counted in ClinVar's aggregate classification.

Literature cited by the submitters: PubMed 21120950 (cited by Women's Health and Genetics/Laboratory Corporation of America, LabCorp and Counsyl); PubMed 24813853 (cited by Labcorp Genetics (formerly Invitae), Labcorp).